The following is an entry in ClinVar:

NM_004415.4(DSP):c.2821C>T (p.Arg941Ter)

Gene: DSP (desmoplakin; plus strand). Cytogenetic location: 6p24.3.
Variant type: single nucleotide variant.
Coding change: c.2821C>T on transcript NM_004415.4 (MANE Select); coding-DNA position 2821, C replaced by T.
Protein change: p.Arg941Ter; replaces arginine 941 with a stop codon.
Molecular consequence: nonsense.
Genome position (GRCh38, 1-based): chr6:7,576,986, C>T. VCF-style: chr6-7576986-C-T. GRCh37 (hg19) VCF-style: chr6-7577219-C-T.
Other names: p.R941*:CGA>TGA; c.2821C>T, p.Arg941Ter (NM_001008844.3, NM_001319034.2); c.2821C>T (NM_004415.3); short protein forms R941*.
Identifiers: ClinVar variation 180326 (VCV000180326.22), dbSNP rs730880082, ClinGen allele CA005630.

ClinVar aggregate classification (germline): Pathogenic/Likely pathogenic. Review status: criteria provided, multiple submitters, no conflicts (2 of 4 stars). 10 submissions from 10 submitters: Pathogenic (6); Likely pathogenic (1). 3 of the submissions do not count toward it. Last evaluated 2026-08-28.

Conditions:
Cardiovascular phenotype. Identifiers: MedGen CN230736.
Familial isolated arrhythmogenic right ventricular dysplasia. Identifiers: Orphanet 217656, MedGen C4274968, MONDO:0016342.
Cardiomyopathy (CMYO). Also called: Cardiomyopathies. Identifiers: Orphanet 167848, MedGen C0878544, MONDO:0004994, HP:0001638. Inheritance: Various modes of inheritance.
Arrhythmogenic right ventricular dysplasia 8 (ARVD8). Also called: Arrhythmogenic Right Ventricular Dysplasia/Cardiomyopathy 8; ARRHYTHMOGENIC RIGHT VENTRICULAR DYSPLASIA, FAMILIAL, 8; ARRHYTHMOGENIC RIGHT VENTRICULAR CARDIOMYOPATHY 8. Identifiers: MedGen C1843896, MONDO:0011831, OMIM 607450.
Arrhythmogenic cardiomyopathy with wooly hair and keratoderma. Also called: Arrhythmogenic cardiomyopathy with woolly hair and keratoderma; Dilated cardiomyopathy with woolly hair and keratoderma; PALMOPLANTAR KERATODERMA WITH LEFT VENTRICULAR CARDIOMYOPATHY AND WOOLLY HAIR; Carvajal syndrome. Identifiers: Orphanet 65282, MedGen C1854063, MONDO:0011581, OMIM 605676.

Allele frequency attached by ClinVar (database versions not stated): TOPMed below 0.00001.
gnomAD v4.1: 3 of 1,612,968 alleles (0.00019%); highest among the groups gnomAD compares: Non-Finnish European, 0.00025%; no homozygotes.

Submissions (10):

GeneDx
Classification: Pathogenic. Last evaluated: 2026-08-28. Review status: criteria provided, single submitter. Criteria: GeneDx Variant Classification Process June 2021. Collection method: clinical testing. Allele origin: germline.
Comment: Nonsense variant predicted to result in protein truncation or nonsense mediated decay in a gene for which loss of function is a known mechanism of disease; Not observed at significant frequency in large population cohorts (gnomAD); This variant is associated with the following publications: (PMID: 25525159, 22240500, 30731207, 31402444, 32277046, 33996946, 33313835, 25014132, 34352074, 21606390, 28527814, 39630431, 41108751)

Dasa
Classification: Pathogenic. Last evaluated: 2025-07-26. Review status: criteria provided, single submitter. Criteria: DASA Assertion Criteria. Collection method: clinical testing. Allele origin: germline.
Comment: NM_004415.4(DSP):c.2821C>T (p.Arg941*) introduces a premature termination codon predicted to result in loss of normal protein function. Loss-of-function is an established mechanism of disease for this gene. This variant has been reported in individuals with related phenotype (PMID: 21606390). The variant is present at low frequency in population datasets. Based on the available data, this variant is classified as pathogenic.

Labcorp Genetics (formerly Invitae), Labcorp
Classification: Pathogenic for Arrhythmogenic cardiomyopathy with wooly hair and keratoderma; Arrhythmogenic right ventricular dysplasia 8. Last evaluated: 2025-07-08. Review status: criteria provided, single submitter. Criteria: Invitae Variant Classification Sherloc (09022015). Collection method: clinical testing. Allele origin: germline.
Comment: This sequence change creates a premature translational stop signal (p.Arg941*) in the DSP gene. It is expected to result in an absent or disrupted protein product. Loss-of-function variants in DSP are known to be pathogenic (PMID: 20716751, 24503780, 25227139). This variant is not present in population databases (gnomAD no frequency). This premature translational stop signal has been observed in individual(s) with arrythmogenic right ventricular cardiomyopathy (PMID: 21606390). ClinVar contains an entry for this variant (Variation ID: 180326). For these reasons, this variant has been classified as Pathogenic.

Molecular Diagnostic Laboratory for Inherited Cardiovascular Disease, Montreal Heart Institute
Classification: Pathogenic for Cardiovascular phenotype. Last evaluated: 2025-01-10. Review status: criteria provided, single submitter. Criteria: ACMG Guidelines, 2015. Collection method: clinical testing. Allele origin: germline. Affected: yes.

Ambry Genetics
Classification: Pathogenic for Cardiovascular phenotype. Last evaluated: 2022-10-11. Review status: criteria provided, single submitter. Criteria: Ambry Variant Classification Scheme 2023. Collection method: clinical testing. Allele origin: germline.
Comment: The p.R941* pathogenic mutation (also known as c.2821C>T), located in coding exon 20 of the DSP gene, results from a C to T substitution at nucleotide position 2821. This changes the amino acid from an arginine to a stop codon within coding exon 20. This alteration has been reported in an individual with a clinical diagnosis of arrhythmogenic right ventricular cardiomyopathy (ARVC) (Quarta G et al. Circulation, 2011 Jun;123:2701-9; Gomes J et al. Eur Heart J, 2012 Aug;33:1942-53; Bariani R et al. Europace, 2021 06;23:907-917). This variant is considered to be rare based on population cohorts in the Genome Aggregation Database (gnomAD). In addition, alterations in DSP that result in haploinsufficiency or protein truncation have been reported in patients with arrhythmogenic right ventricular cardiomyopathy (ARVC) and dilated cardiomyopathy (DCM) (Fressart V et al. Europace. 2010;12(6):861-8; Elliott P et al. Circ Cardiovasc Genet. 2010;3(4):314-22; Quarta G et al. Circulation. 2011;123(23):2701-9; Garcia-Pavia P et al. Heart. 2011;97(21):1744-52; Rasmussen TB et al. Clin Genet. 2013;84(1):20-30; Pugh TJ et al. Genet Med. 2014;16(8):601-8). This alteration is expected to result in loss of function by premature protein truncation or nonsense-mediated mRNA decay. Based on the supporting evidence, this alteration is interpreted as a disease-causing mutation.

CHEO Genetics Diagnostic Laboratory, Children's Hospital of Eastern Ontario
Classification: Pathogenic for Cardiomyopathy. Last evaluated: 2018-07-19. Review status: criteria provided, single submitter. Criteria: ACMG Guidelines, 2015. Collection method: clinical testing. Allele origin: germline.

Women's Health and Genetics/Laboratory Corporation of America, LabCorp
Classification: Likely pathogenic for Familial isolated arrhythmogenic right ventricular dysplasia. Last evaluated: 2016-11-14. Review status: criteria provided, single submitter. Criteria: LabCorp Variant Classification Summary - May 2015. Collection method: clinical testing. Allele origin: germline.
Comment: Variant summary: The DSP c.2821C>T (p.Arg941X) variant results in a premature termination codon, predicted to cause a truncated or absent DSP protein due to nonsense mediated decay (NMD), which are commonly known mechanisms for disease. If NMD is escaped, the variant is expected to truncate spectrin/alpha-actinin domain and plectin repeats in the protein (InterPro). Truncations downstream of this position have been classified as likely pathogenic by our laboratory (e.g. p.Arg1738X, c.6273delA, etc.). This variant is absent in 121116 control chromosomes, including large and broad populations from ExAC. In literature, this variant has been reported in two ARVD patients/families (Quarta_2011, Gomes_2012). Multiple clinical laboratories have classified this variant as likely pathogenic/pathogenic. Taken together, this variant is classified as likely pathogenic.

Clinical Genetics DNA and cytogenetics Diagnostics Lab, Erasmus MC, Erasmus Medical Center
Classification: Pathogenic. Review status: no assertion criteria provided. Collection method: clinical testing. Allele origin: germline. Affected: yes. Study: VKGL Data-share Consensus. Not counted in ClinVar's aggregate classification.

Genome Diagnostics Laboratory, University Medical Center Utrecht
Classification: Pathogenic. Review status: no assertion criteria provided. Collection method: clinical testing. Allele origin: germline. Affected: yes. Study: VKGL Data-share Consensus. Not counted in ClinVar's aggregate classification.

Laboratory of Diagnostic Genome Analysis, Leiden University Medical Center (LUMC)
Classification: Pathogenic. Review status: no assertion criteria provided. Collection method: clinical testing. Allele origin: germline. Affected: yes. Study: VKGL Data-share Consensus. Not counted in ClinVar's aggregate classification.

Literature cited by the submitters: PubMed 21606390 (cited by 4 submitters); PubMed 20716751 (cited by Labcorp Genetics (formerly Invitae), Labcorp); PubMed 24503780 (cited by Labcorp Genetics (formerly Invitae), Labcorp); PubMed 25227139 (cited by Labcorp Genetics (formerly Invitae), Labcorp); PubMed 22240500 (cited by Ambry Genetics); PubMed 33313835 (cited by Ambry Genetics); PubMed 25525159 (cited by Women's Health and Genetics/Laboratory Corporation of America, LabCorp).